The following is an entry in ClinVar:

ClinVar aggregate classification (germline): Uncertain significance. Review status: criteria provided, multiple submitters, no conflicts (2 of 4 stars). 2 submissions from 2 submitters: Uncertain significance (2). Last evaluated 2024-11-05.

Conditions:
Alstrom syndrome (ALMS). Identifiers: Orphanet 64, MedGen C0268425, MONDO:0008763, OMIM 203800.
Cardiovascular phenotype. Identifiers: MedGen CN230736.

Allele frequency attached by ClinVar (database versions not stated): gnomAD 0.00001; gnomAD exomes 0.00001; TOPMed 0.00001.
gnomAD v4.1: 11 of 1,613,640 alleles (0.00068%); highest among the groups gnomAD compares: Non-Finnish European, 0.00085%; no homozygotes.

Submissions (2):

Labcorp Genetics (formerly Invitae), Labcorp
Classification: Uncertain significance for Alstrom syndrome. Last evaluated: 2024-11-05. Review status: criteria provided, single submitter. Criteria: Invitae Variant Classification Sherloc (09022015). Collection method: clinical testing. Allele origin: germline.
Comment: This sequence change replaces proline, which is neutral and non-polar, with arginine, which is basic and polar, at codon 716 of the ALMS1 protein (p.Pro716Arg). This variant is not present in population databases (gnomAD no frequency). This variant has not been reported in the literature in individuals affected with ALMS1-related conditions. ClinVar contains an entry for this variant (Variation ID: 2164244). Experimental studies and prediction algorithms are not available or were not evaluated, and the functional significance of this variant is currently unknown. In summary, the available evidence is currently insufficient to determine the role of this variant in disease. Therefore, it has been classified as a Variant of Uncertain Significance.

Ambry Genetics
Classification: Uncertain significance for Cardiovascular phenotype. Last evaluated: 2023-08-25. Review status: criteria provided, single submitter. Criteria: Ambry Variant Classification Scheme 2023. Collection method: clinical testing. Allele origin: germline.
Comment: The p.P716R variant (also known as c.2147C>G), located in coding exon 8 of the ALMS1 gene, results from a C to G substitution at nucleotide position 2147. The proline at codon 716 is replaced by arginine, an amino acid with dissimilar properties. This amino acid position is not well conserved in available vertebrate species. In addition, this alteration is predicted to be tolerated by in silico analysis. Since supporting evidence is limited at this time, the clinical significance of this alteration remains unclear.

NM_001378454.1(ALMS1):c.2144C>G (p.Pro715Arg)

Gene: ALMS1 (ALMS1 centrosome and basal body associated protein; plus strand). Cytogenetic location: 2p13.1.
Variant type: single nucleotide variant.
Coding change: c.2144C>G on transcript NM_001378454.1 (MANE Select); coding-DNA position 2144, C replaced by G.
Protein change: p.Pro715Arg; replaces proline 715 with arginine.
Molecular consequence: missense variant.
Genome position (GRCh38, 1-based): chr2:73,448,671, C>G. VCF-style: chr2-73448671-C-G. GRCh37 (hg19) VCF-style: chr2-73675798-C-G.
Other names: c.2147C>G, p.Pro716Arg (NM_015120.4); short protein forms P715R, P716R.
Identifiers: ClinVar variation 2164244 (VCV002164244.5), dbSNP rs1315627184, ClinGen allele CA347266909.
Genomic context (GRCh38, chr2:73,448,671, plus strand): 5'-TCTCAGCTGTGTCTGGACCAGCTGACCAGAAGACTGGGACAGCAACAGTACTCTCTACTC[C>G]CCACTCACATAGAGAGAAGCCTGGTATTTTTTACCAACAAGAGTTCGCAGACAGTCATCA-3'
Protein context (NP_001365383.1, residues 705-725): KTGTATVLST[Pro715Arg]HSHREKPGIF